The following is an entry in ClinVar:

NM_003001.5(SDHC):c.366C>G (p.Phe122Leu)

Gene: SDHC (succinate dehydrogenase complex subunit C; plus strand). Cytogenetic location: 1q23.3.
Variant type: single nucleotide variant.
Coding change: c.366C>G on transcript NM_003001.5 (MANE Select); coding-DNA position 366, C replaced by G.
Protein change: p.Phe122Leu; replaces phenylalanine 122 with leucine.
Molecular consequence: missense variant. On other transcripts: non-coding transcript variant (1), intron variant (3).
Genome position (GRCh38, 1-based): chr1:161,356,801, C>G. VCF-style: chr1-161356801-C-G. GRCh37 (hg19) VCF-style: chr1-161326591-C-G.
Other names: c.264C>G, p.Phe88Leu (NM_001035512.3); c.207C>G, p.Phe69Leu (NM_001035513.3); c.486C>G, p.Phe162Leu (NM_001407115.1); c.309C>G, p.Phe103Leu (NM_001407116.1); c.303C>G, p.Phe101Leu (NM_001407117.1); c.258C>G, p.Phe86Leu (NM_001407118.1); c.255C>G, p.Phe85Leu (NM_001407119.1, NM_001407120.1); c.242-5528C>G (NM_001035511.3); and 2 more; short protein forms F69L, F122L, F88L, F85L, F162L, F101L, F103L, F86L.
Identifiers: ClinVar variation 969846 (VCV000969846.9), dbSNP rs868596979, ClinGen allele CA343456641.

ClinVar aggregate classification (germline): Uncertain significance. Review status: criteria provided, multiple submitters, no conflicts (2 of 4 stars). 2 submissions from 2 submitters: Uncertain significance (2). Last evaluated 2025-12-16.

Conditions:
Gastrointestinal stromal tumor. Also called: Gastrointestinal stromal tumor, somatic; Gastrointestinal stroma tumor. Identifiers: Orphanet 44890, MedGen C0238198, MeSH D046152, MONDO:0011719, OMIM 606764, HP:0100723.
Pheochromocytoma/paraganglioma syndrome 3. Also called: GLOMUS TUMORS, FAMILIAL, 3; SDHC-Related Hereditary Paraganglioma-Pheochromocytoma Syndrome; Paragangliomas 3; SDHC-Related Hereditary Paraganglioma-Pheochromocytoma Syndrome (Paragangliomas 3). Identifiers: Orphanet 29072, MedGen C1854336, MONDO:0011544, OMIM 605373.
Hereditary cancer-predisposing syndrome. Also called: Neoplastic Syndromes, Hereditary; Hereditary Cancer Syndrome; Hereditary neoplastic syndrome; Tumor predisposition. Identifiers: Orphanet 140162, MedGen C0027672, MeSH D009386, MONDO:0015356.

Submissions (2):

Labcorp Genetics (formerly Invitae), Labcorp
Classification: Uncertain significance for Pheochromocytoma/paraganglioma syndrome 3; Gastrointestinal stromal tumor. Last evaluated: 2025-12-16. Review status: criteria provided, single submitter. Criteria: Invitae Variant Classification Sherloc (09022015). Collection method: clinical testing. Allele origin: germline.
Comment: This sequence change replaces phenylalanine, which is neutral and non-polar, with leucine, which is neutral and non-polar, at codon 122 of the SDHC protein (p.Phe122Leu). This variant is not present in population databases (gnomAD no frequency). This variant has not been reported in the literature in individuals affected with SDHC-related conditions. ClinVar contains an entry for this variant (Variation ID: 969846). An algorithm developed to predict the effect of missense changes on protein structure and function (PolyPhen-2) suggests that this variant is likely to be tolerated. In summary, the available evidence is currently insufficient to determine the role of this variant in disease. Therefore, it has been classified as a Variant of Uncertain Significance.

Ambry Genetics
Classification: Uncertain significance for Hereditary cancer-predisposing syndrome. Last evaluated: 2025-03-12. Review status: criteria provided, single submitter. Criteria: Ambry Variant Classification Scheme 2023. Collection method: clinical testing. Allele origin: germline.
Comment: The p.F122L variant (also known as c.366C>G), located in coding exon 5 of the SDHC gene, results from a C to G substitution at nucleotide position 366. The phenylalanine at codon 122 is replaced by leucine, an amino acid with highly similar properties. This amino acid position is not well conserved in available vertebrate species. In addition, this alteration is predicted to be tolerated by in silico analysis. Based on the available evidence, the clinical significance of this variant remains unclear.